The following is an entry in ClinVar:

NM_001386795.1(DTNA):c.647A>T (p.Asp216Val)

Gene: DTNA (dystrobrevin alpha; plus strand). Cytogenetic location: 18q12.1.
Variant type: single nucleotide variant.
Coding change: c.647A>T on transcript NM_001386795.1 (MANE Select); coding-DNA position 647, A replaced by T.
Protein change: p.Asp216Val; replaces aspartic acid 216 with valine.
Molecular consequence: missense variant. On other transcripts: intron variant (1).
Genome position (GRCh38, 1-based): chr18:34,815,952, A>T. VCF-style: chr18-34815952-A-T. GRCh37 (hg19) VCF-style: chr18-32395916-A-T.
Other names: c.647A>T, p.Asp216Val (NM_001128175.2, NM_001198938.2, NM_001198939.2 and 34 more transcripts); c.603+3839A>T (NM_001198945.2); short protein forms D216V.
Identifiers: ClinVar variation 2609015 (VCV002609015.5), dbSNP rs1400972198, ClinGen allele CA402167933.
Genomic context (GRCh38, chr18:34,815,952, plus strand): 5'-GGGGTTTTTTTATGCAGAAAAAAGTCACGTTAAATGGTTTCTTGGACACGCTTATGTCAG[A>T]TCCTCCCCCGCAGTGTCTGGTCTGGTTGCCTCTTCTGCATCGACTAGCAAATGTGGAAAA-3'
Protein context (NP_001373724.1, residues 206-226): LNGFLDTLMS[Asp216Val]PPPQCLVWLP

ClinVar aggregate classification (germline): Uncertain significance. Review status: criteria provided, multiple submitters, no conflicts (2 of 4 stars). 2 submissions from 2 submitters: Uncertain significance (2). Last evaluated 2025-02-23.

Conditions:
Left ventricular noncompaction 1 (LVNC1). Also called: LEFT VENTRICULAR NONCOMPACTION 1 WITH OR WITHOUT CONGENITAL HEART DEFECTS. Identifiers: Orphanet 54260, MedGen C1858725, MONDO:0011403, OMIM 604169.

Allele frequency attached by ClinVar (database versions not stated): gnomAD exomes below 0.00001.
gnomAD v4.1: 6 of 1,613,856 alleles (0.00037%); highest among the groups gnomAD compares: Non-Finnish European, 0.00051%; no homozygotes.

Submissions (2):

Labcorp Genetics (formerly Invitae), Labcorp
Classification: Uncertain significance for Left ventricular noncompaction 1. Last evaluated: 2025-02-23. Review status: criteria provided, single submitter. Criteria: Invitae Variant Classification Sherloc (09022015). Collection method: clinical testing. Allele origin: germline.
Comment: This sequence change replaces aspartic acid, which is acidic and polar, with valine, which is neutral and non-polar, at codon 216 of the DTNA protein (p.Asp216Val). This variant is present in population databases (no rsID available, gnomAD 0.0009%). This variant has not been reported in the literature in individuals affected with DTNA-related conditions. ClinVar contains an entry for this variant (Variation ID: 2609015). Invitae Evidence Modeling of protein sequence and biophysical properties (such as structural, functional, and spatial information, amino acid conservation, physicochemical variation, residue mobility, and thermodynamic stability) has been performed for this missense variant. However, the output from this modeling did not meet the statistical confidence thresholds required to predict the impact of this variant on DTNA protein function. In summary, the available evidence is currently insufficient to determine the role of this variant in disease. Therefore, it has been classified as a Variant of Uncertain Significance.

Ambry Genetics
Classification: Uncertain significance. Last evaluated: 2023-08-20. Review status: criteria provided, single submitter. Criteria: Ambry Variant Classification Scheme 2023. Collection method: clinical testing. Allele origin: germline.